The following is an entry in ClinVar:

NM_182961.4(SYNE1):c.21743C>G (p.Ser7248Cys)

Gene: SYNE1 (spectrin repeat containing nuclear envelope protein 1; minus strand). Cytogenetic location: 6q25.2.
Variant type: single nucleotide variant.
Coding change: c.21743C>G on transcript NM_182961.4 (MANE Select); coding-DNA position 21743, C replaced by G.
Protein change: p.Ser7248Cys; replaces serine 7248 with cysteine.
Molecular consequence: missense variant.
Genome position (GRCh38, 1-based): chr6:152,220,960, G>C on the plus strand (C>G on the coding strand, the complement: SYNE1 is on the minus strand). VCF-style: chr6-152220960-G-C. GRCh37 (hg19) VCF-style: chr6-152542095-G-C.
Other names: c.21530C>G, p.Ser7177Cys (NM_033071.5); short protein forms S7177C, S7248C.
Identifiers: ClinVar variation 3768399 (VCV003768399.1).

ClinVar aggregate classification (germline): Uncertain significance (1 of 4 stars; one submission).

Submission:

Women's Health and Genetics/Laboratory Corporation of America, LabCorp
Classification: Uncertain significance. Last evaluated: 2024-12-31. Review status: criteria provided, single submitter. Criteria: LabCorp Variant Classification Summary - May 2015. Collection method: clinical testing. Allele origin: germline.
Comment: Variant summary: SYNE1 c.21530C>G (p.Ser7177Cys) results in a non-conservative amino acid change in the encoded protein sequence. Four of five in-silico tools predict a benign effect of the variant on protein function. The variant was absent in 251282 control chromosomes. The available data on variant occurrences in the general population are insufficient to allow any conclusion about variant significance. To our knowledge, no occurrence of c.21530C>G in individuals affected with Autosomal recessive ataxia, Beauce type and no experimental evidence demonstrating its impact on protein function have been reported. No submitters have cited clinical-significance assessments for this variant to ClinVar. Based on the evidence outlined above, the variant was classified as uncertain significance.